The following is an entry in ClinVar:

ClinVar aggregate classification (germline): Likely pathogenic (1 of 4 stars; one submission).

Conditions:
RYR1-related disorder. Also called: RYR1-related condition; RYR1-related disorders. Identifiers: MedGen CN239331.

Submission:

Labcorp Genetics (formerly Invitae), Labcorp
Classification: Likely pathogenic for RYR1-related disorder. Last evaluated: 2022-01-17. Review status: criteria provided, single submitter. Criteria: Invitae Variant Classification Sherloc (09022015). Collection method: clinical testing. Allele origin: germline.
Comment: In summary, the currently available evidence indicates that the variant is pathogenic, but additional data are needed to prove that conclusively. Therefore, this variant has been classified as Likely Pathogenic. Algorithms developed to predict the effect of sequence changes on RNA splicing suggest that this variant may disrupt the consensus splice site. This variant has not been reported in the literature in individuals affected with RYR1-related conditions. This variant is not present in population databases (gnomAD no frequency). This sequence change affects a donor splice site in intron 73 of the RYR1 gene. It is expected to disrupt RNA splicing. Variants that disrupt the donor or acceptor splice site typically lead to a loss of protein function (PMID: 16199547), and loss-of-function variants in RYR1 are known to be pathogenic (PMID: 20583297, 20839240, 23919265, 28818389).

Literature cited by the submitters: PubMed 16199547; PubMed 20583297; PubMed 20839240; PubMed 23919265; PubMed 28818389.

NM_000540.3(RYR1):c.10824+1G>C

Gene: RYR1 (ryanodine receptor 1; plus strand). Cytogenetic location: 19q13.2.
Variant type: single nucleotide variant.
Coding change: c.10824+1G>C on transcript NM_000540.3 (MANE Select); the canonical splice donor site of the intron after coding-DNA position 10824, G replaced by C.
Molecular consequence: splice donor variant.
Genome position (GRCh38, 1-based): chr19:38,527,785, G>C. VCF-style: chr19-38527785-G-C. GRCh37 (hg19) VCF-style: chr19-39018425-G-C.
Other names: c.10809+1G>C (NM_001042723.2).
Identifiers: ClinVar variation 2086700 (VCV002086700.4), dbSNP rs111694258, ClinGen allele CA405647551.